The following is an entry in ClinVar:

ClinVar aggregate classification (germline): Uncertain significance (1 of 4 stars; one submission).

Conditions:
Hereditary cancer-predisposing syndrome. Also called: Neoplastic Syndromes, Hereditary; Tumor predisposition; Hereditary Cancer Syndrome; Hereditary neoplastic syndrome. Identifiers: Orphanet 140162, MedGen C0027672, MeSH D009386, MONDO:0015356.

Submission:

Color Diagnostics, LLC DBA Color Health
Classification: Uncertain significance for Hereditary cancer-predisposing syndrome. Last evaluated: 2024-09-09. Review status: criteria provided, single submitter. Criteria: ACMG Guidelines, 2015. Collection method: clinical testing. Allele origin: germline.
Comment: This missense variant replaces serine with phenylalanine at codon 1360 of the APC protein. Computational prediction suggests that this variant may not impact protein structure and function (internally defined REVEL score threshold <= 0.5, PMID: 27666373). To our knowledge, functional studies have not been reported for this variant. This variant has not been reported in individuals affected with APC-related disorders in the literature. This variant has not been identified in the general population by the Genome Aggregation Database (gnomAD). The available evidence is insufficient to determine the role of this variant in disease conclusively. Therefore, this variant is classified as a Variant of Uncertain Significance.

NM_000038.6(APC):c.4079C>T (p.Ser1360Phe)

Gene: APC (APC regulator of Wnt signaling pathway; plus strand). Cytogenetic location: 5q22.2.
Variant type: single nucleotide variant.
Coding change: c.4079C>T on transcript NM_000038.6 (MANE Select); coding-DNA position 4079, C replaced by T.
Protein change: p.Ser1360Phe; replaces serine 1360 with phenylalanine.
Molecular consequence: missense variant. On other transcripts: non-coding transcript variant (2).
Genome position (GRCh38, 1-based): chr5:112,839,673, C>T. VCF-style: chr5-112839673-C-T. GRCh37 (hg19) VCF-style: chr5-112175370-C-T.
Other names: c.4079C>T, p.Ser1360Phe (NM_001127510.3, NM_001354895.2, NM_001407450.1); c.4025C>T, p.Ser1342Phe (NM_001127511.3); c.4133C>T, p.Ser1378Phe (NM_001354896.2, NM_001407447.1, NM_001407448.1 and 1 more transcripts); c.4109C>T, p.Ser1370Phe (NM_001354897.2); c.4004C>T, p.Ser1335Phe (NM_001354898.2); c.3995C>T, p.Ser1332Phe (NM_001354899.2); c.3956C>T, p.Ser1319Phe (NM_001354900.2); c.3902C>T, p.Ser1301Phe (NM_001354901.2, NM_001407453.1); and 11 more; short protein forms S1077F, S1200F, S1231F, S1234F, S1259F, S1269F, S1277F, S1301F.
Identifiers: ClinVar variation 3894097 (VCV003894097.1).